The following is an entry in ClinVar:

NM_007294.4(BRCA1):c.2818G>T (p.Asp940Tyr)

Gene: BRCA1 (BRCA1 DNA repair associated; minus strand). Cytogenetic location: 17q21.31.
Variant type: single nucleotide variant.
Coding change: c.2818G>T on transcript NM_007294.4 (MANE Select); coding-DNA position 2818, G replaced by T.
Protein change: p.Asp940Tyr; replaces aspartic acid 940 with tyrosine.
Molecular consequence: missense variant. On other transcripts: intron variant (137).
Genome position (GRCh38, 1-based): chr17:43,092,713, C>A on the plus strand (G>T on the coding strand, the complement: BRCA1 is on the minus strand). VCF-style: chr17-43092713-C-A. GRCh37 (hg19) VCF-style: chr17-41244730-C-A.
Other names: c.647-1681G>T (NM_001408454.1, NM_001408456.1, NM_001408410.1 and 11 more transcripts); c.707-1681G>T (NM_001408413.1, NM_001408416.1); c.587-1681G>T (NM_001408476.1, NM_001408474.1); c.710-1681G>T (NM_001408409.1, NM_001408414.1, NM_001408411.1 and 2 more transcripts); c.575-1681G>T (NM_001408493.1, NM_001408490.1, NM_001408491.1); c.455-1681G>T (NM_001408502.1); c.578-1681G>T (NM_001408489.1, NM_001408479.1, NM_001408482.1 and 9 more transcripts); c.662-1681G>T (NM_001408445.1, NM_001408432.1, NM_001408450.1 and 6 more transcripts); and 41 more; short protein forms D940Y, D893Y, D644Y, D828Y, D851Y, D813Y, D829Y, D852Y.
Identifiers: ClinVar variation 54689 (VCV000054689.15), dbSNP rs80357077, ClinGen allele CA001846.

ClinVar aggregate classification (germline): Conflicting classifications of pathogenicity. Review status: criteria provided, conflicting classifications (1 of 4 stars). 5 submissions from 5 submitters: Uncertain significance (3); Likely benign (1). 1 of the submissions does not count toward it. Last evaluated 2025-08-04.

Conditions:
Hereditary cancer-predisposing syndrome. Also called: Tumor predisposition; Neoplastic Syndromes, Hereditary; Hereditary Cancer Syndrome; Hereditary neoplastic syndrome. Identifiers: Orphanet 140162, MedGen C0027672, MeSH D009386, MONDO:0015356.
Hereditary breast ovarian cancer syndrome. Also called: Hereditary breast and ovarian cancer syndrome (HBOC); Hereditary breast and ovarian cancer syndrome; Hereditary breast and ovarian cancer; Hereditary breast and/or ovarian cancer syndrome; Breast and ovarian cancer; BRCA1- and BRCA2-Associated Hereditary Breast and Ovarian Cancer. Identifiers: Orphanet 145, MedGen C0677776, MeSH D061325, MONDO:0003582. Disease mechanism: loss of function.
Breast-ovarian cancer, familial, susceptibility to, 1 (BROVCA1). Also called: OVARIAN CANCER, SUSCEPTIBILITY TO; BRCA1 Hereditary Breast and Ovarian Cancer. Identifiers: Orphanet 145, MedGen C2676676, MONDO:0011450, OMIM 604370. Disease mechanism: loss of function.

Submissions (5):

Color Diagnostics, LLC DBA Color Health
Classification: Uncertain significance for Hereditary cancer-predisposing syndrome. Last evaluated: 2025-08-04. Review status: criteria provided, single submitter. Criteria: ACMG Guidelines, 2015. Collection method: clinical testing. Allele origin: germline.
Comment: This missense variant replaces aspartic acid with tyrosine at codon 940 of the BRCA1 protein. Computational prediction suggests that this variant may not impact protein structure and function. To our knowledge, functional studies have not been reported for this variant. Multifactorial analysis has reached a combined likelihood ratio (LR) of 0.35 based on reported LR for co-occurrence with a pathogenic variant and personal and family history for 1 carrier (PMID: 31853058). This variant has not been identified in the general population by the Genome Aggregation Database (gnomAD). The available evidence is insufficient to determine the role of this variant in disease conclusively. Therefore, this variant is classified as a Variant of Uncertain Significance.

University of Washington Department of Laboratory Medicine, University of Washington
Classification: Likely benign for Hereditary cancer-predisposing syndrome. Last evaluated: 2023-03-23. Review status: criteria provided, single submitter. Criteria: Dines et al. (Genet Med. 2020). Collection method: curation. Allele origin: germline.
Comment: Missense variant in a coldspot region where missense variants are very unlikely to be pathogenic (PMID:31911673).

BRCA1 coldspot (exon 11 using historical exon numbering). Reclassification based on statistical prior probability

Labcorp Genetics (formerly Invitae), Labcorp
Classification: Uncertain significance for Hereditary breast ovarian cancer syndrome. Last evaluated: 2021-10-21. Review status: criteria provided, single submitter. Criteria: Invitae Variant Classification Sherloc (09022015). Collection method: clinical testing. Allele origin: germline.
Comment: ClinVar contains an entry for this variant (Variation ID: 54689). In summary, the available evidence is currently insufficient to determine the role of this variant in disease. Therefore, it has been classified as a Variant of Uncertain Significance. Advanced modeling of protein sequence and biophysical properties (such as structural, functional, and spatial information, amino acid conservation, physicochemical variation, residue mobility, and thermodynamic stability) performed at Invitae indicates that this missense variant is not expected to disrupt BRCA1 protein function. This variant has not been reported in the literature in individuals affected with BRCA1-related conditions. This variant is not present in population databases (ExAC no frequency). This sequence change replaces aspartic acid with tyrosine at codon 940 of the BRCA1 protein (p.Asp940Tyr). The aspartic acid residue is moderately conserved and there is a large physicochemical difference between aspartic acid and tyrosine.

Ambry Genetics
Classification: Uncertain significance for Hereditary cancer-predisposing syndrome. Last evaluated: 2016-11-14. Review status: criteria provided, single submitter. Criteria: Ambry Variant Classification Scheme 2023. Collection method: clinical testing. Allele origin: germline.
Comment: The p.D940Y variant (also known as c.2818G>T), located in coding exon 9 of the BRCA1 gene, results from a G to T substitution at nucleotide position 2818. The aspartic acid at codon 940 is replaced by tyrosine, an amino acid with highly dissimilar properties. This variant was predicted to be deleterious using a predictive algorithm based on a comparative evolutionary approach (Burk-Herrick A et al. Mamm. Genome, 2006 Mar;17:257-70). This variant was previously reported in the SNPDatabase as rs80357077, but was absent from population-based cohorts in the NHLBI Exome Sequencing Project (ESP) and 1000 Genomes Project databases. To date, this alteration has been detected with an allele frequency of approximately 0.0003% (greater than 300000 alleles tested) in our clinical cohort. This amino acid position is not well conserved in available vertebrate species. In addition, the in silico prediction for this alteration is inconclusive. Since supporting evidence is limited at this time, the clinical significance of this alteration remains unclear.

Breast Cancer Information Core (BIC) (BRCA1)
Classification: Uncertain significance for Breast-ovarian cancer, familial 1. Review status: no assertion criteria provided. Collection method: clinical testing. Allele origin: germline. Affected: yes. Observed: 1 variant allele. Not counted in ClinVar's aggregate classification.

Literature cited by the submitters: PubMed 31853058 (cited by Color Diagnostics, LLC DBA Color Health); PubMed 16518693 (cited by Ambry Genetics).